The following is an entry in ClinVar:

NM_006734.4(HIVEP2):c.6455A>G (p.His2152Arg)

Gene: HIVEP2 (HIVEP zinc finger 2; minus strand). Cytogenetic location: 6q24.2.
Variant type: single nucleotide variant.
Coding change: c.6455A>G on transcript NM_006734.4 (MANE Select); coding-DNA position 6455, A replaced by G.
Protein change: p.His2152Arg; replaces histidine 2152 with arginine.
Molecular consequence: missense variant.
Genome position (GRCh38, 1-based): chr6:142,759,833, T>C on the plus strand (A>G on the coding strand, the complement: HIVEP2 is on the minus strand). VCF-style: chr6-142759833-T-C. GRCh37 (hg19) VCF-style: chr6-143080970-T-C.
Other names: c.6455A>G, p.His2152Arg (NM_001438449.1, NM_001438450.1, NM_001438451.1); short protein forms H2152R.
Identifiers: ClinVar variation 4845593 (VCV004845593.1).
Genomic context (GRCh38, chr6:142,759,833, plus strand): 5'-GGAGGCCCCAATACAATTGGCTCTGCTTGCAAATACTGTCCCATGGACAATGGTGGGTTA[T>C]GGTATAAAGCCCTTCTGGGAGATGGCGCTCTTATTGTGGTCATGTATCTTCTCTCTCTTC-3'
Protein context (NP_006725.3, residues 2142-2162): RAPSPRRALY[His2152Arg]NPPLSMGQYL

ClinVar aggregate classification (germline): Uncertain significance (1 of 4 stars; one submission).

gnomAD v4.1: 1 of 1,613,872 alleles (0.000062%); highest among the groups gnomAD compares: Non-Finnish European, 0.000085%; no homozygotes.

Submission:

Greenwood Genetic Center Diagnostic Laboratories, Greenwood Genetic Center
Classification: Uncertain significance. Last evaluated: 2025-10-23. Review status: criteria provided, single submitter. Criteria: ACMG Guidelines, 2015. Collection method: clinical testing. Allele origin: germline. Affected: yes.
Comment: PM2, BP4, PP2